The following is an entry in ClinVar:

NM_177438.3(DICER1):c.5519C>T (p.Pro1840Leu)

Gene: DICER1 (dicer 1, ribonuclease III; minus strand). Cytogenetic location: 14q32.13.
Variant type: single nucleotide variant.
Coding change: c.5519C>T on transcript NM_177438.3 (MANE Select); coding-DNA position 5519, C replaced by T.
Protein change: p.Pro1840Leu; replaces proline 1840 with leucine.
Molecular consequence: missense variant. On other transcripts: non-coding transcript variant (6), intron variant (1).
Genome position (GRCh38, 1-based): chr14:95,091,211, G>A on the plus strand (C>T on the coding strand, the complement: DICER1 is on the minus strand). VCF-style: chr14-95091211-G-A. GRCh37 (hg19) VCF-style: chr14-95557548-G-A.
Other names: c.5519C>T, p.Pro1840Leu (NM_001271282.3, NM_001291628.2, NM_001395677.1 and 8 more transcripts); c.5237C>T, p.Pro1746Leu (NM_001395686.1); c.5114C>T, p.Pro1705Leu (NM_001395687.1, NM_001395688.1, NM_001395689.1 and 1 more transcripts); c.4952C>T, p.Pro1651Leu (NM_001395691.1); c.3836C>T, p.Pro1279Leu (NM_001395697.1); c.5365-102C>T (NM_001195573.1); short protein forms P1705L, P1840L, P1651L, P1746L, P1279L.
Identifiers: ClinVar variation 1748060 (VCV001748060.2), dbSNP rs2139775915, ClinGen allele CA390864472.

ClinVar aggregate classification (germline): Uncertain significance (1 of 4 stars; one submission).

Conditions:
Hereditary cancer-predisposing syndrome. Also called: Hereditary Cancer Syndrome; Hereditary neoplastic syndrome; Neoplastic Syndromes, Hereditary; Tumor predisposition. Identifiers: Orphanet 140162, MedGen C0027672, MeSH D009386, MONDO:0015356.

Submission:

Ambry Genetics
Classification: Uncertain significance for Hereditary cancer-predisposing syndrome. Last evaluated: 2020-07-07. Review status: criteria provided, single submitter. Criteria: Ambry Variant Classification Scheme 2023. Collection method: clinical testing. Allele origin: germline.
Comment: The p.P1840L variant (also known as c.5519C>T), located in coding exon 24 of the DICER1 gene, results from a C to T substitution at nucleotide position 5519. The proline at codon 1840 is replaced by leucine, an amino acid with similar properties. This amino acid position is highly conserved in available vertebrate species. In addition, this alteration is predicted to be deleterious by in silico analysis. Since supporting evidence is limited at this time, the clinical significance of this alteration remains unclear.